The following is an entry in ClinVar:

ClinVar aggregate classification (germline): Uncertain significance. Review status: criteria provided, multiple submitters, no conflicts (2 of 4 stars). 4 submissions from 4 submitters: Uncertain significance (4). Last evaluated 2025-12-01.

Conditions:
Hereditary cancer-predisposing syndrome. Also called: Hereditary neoplastic syndrome; Tumor predisposition; Neoplastic Syndromes, Hereditary; Hereditary Cancer Syndrome. Identifiers: Orphanet 140162, MedGen C0027672, MeSH D009386, MONDO:0015356.
Hereditary nonpolyposis colorectal neoplasms. Identifiers: MedGen C0009405, MeSH D003123.
Lynch syndrome. Identifiers: Orphanet 144, MedGen C4552100, MONDO:0005835. Disease mechanism: loss of function.

Submissions (4):

CeGaT Center for Human Genetics Tuebingen
Classification: Uncertain significance. Last evaluated: 2025-12-01. Review status: criteria provided, single submitter. Criteria: CeGaT Center For Human Genetics Tuebingen Variant Classification Criteria Version 2. Collection method: clinical testing. Allele origin: germline. Affected: yes. Observed: 1 variant allele.
Comment: MSH6: PM2

Ambry Genetics
Classification: Uncertain significance for Hereditary cancer-predisposing syndrome. Last evaluated: 2025-10-06. Review status: criteria provided, single submitter. Criteria: Ambry Variant Classification Scheme 2023. Collection method: clinical testing. Allele origin: germline.
Comment: The p.A1154V variant (also known as c.3461C>T), located in coding exon 6 of the MSH6 gene, results from a C to T substitution at nucleotide position 3461. The alanine at codon 1154 is replaced by valine, an amino acid with similar properties. This amino acid position is highly conserved in available vertebrate species. In addition, this alteration is predicted to be deleterious by in silico analysis. Based on the available evidence, the clinical significance of this variant remains unclear.

Labcorp Genetics (formerly Invitae), Labcorp
Classification: Uncertain significance for Hereditary nonpolyposis colorectal neoplasms. Last evaluated: 2023-10-08. Review status: criteria provided, single submitter. Criteria: Invitae Variant Classification Sherloc (09022015). Collection method: clinical testing. Allele origin: germline.
Comment: This sequence change replaces alanine, which is neutral and non-polar, with valine, which is neutral and non-polar, at codon 1154 of the MSH6 protein (p.Ala1154Val). This variant is not present in population databases (gnomAD no frequency). This variant has not been reported in the literature in individuals affected with MSH6-related conditions. ClinVar contains an entry for this variant (Variation ID: 1731649). Advanced modeling of protein sequence and biophysical properties (such as structural, functional, and spatial information, amino acid conservation, physicochemical variation, residue mobility, and thermodynamic stability) has been performed at Invitae for this missense variant, however the output from this modeling did not meet the statistical confidence thresholds required to predict the impact of this variant on MSH6 protein function. In summary, the available evidence is currently insufficient to determine the role of this variant in disease. Therefore, it has been classified as a Variant of Uncertain Significance.

All of Us Research Program, National Institutes of Health
Classification: Uncertain significance for Lynch syndrome. Last evaluated: 2023-05-04. Review status: criteria provided, single submitter. Criteria: ACMG Guidelines, 2015. Collection method: clinical testing. Allele origin: germline. Inheritance: Autosomal dominant inheritance. Observed: 1 variant allele, 1 heterozygote.
Comment: This missense variant replaces alanine with valine at codon 1154 of the MSH6 protein. Computational prediction suggests that this variant may have deleterious impact on protein structure and function (internally defined REVEL score threshold >= 0.7, PMID: 27666373). To our knowledge, functional studies have not been reported for this variant. This variant has not been reported in individuals affected with MSH6-related disorders in the literature. This variant has not been identified in the general population by the Genome Aggregation Database (gnomAD). The available evidence is insufficient to determine the role of this variant in disease conclusively. Therefore, this variant is classified as a Variant of Uncertain Significance.

This study involves interpretation of variants in research participants for the purpose of population health screening. Participant phenotype was not available at the time of variant classification. Additional details can be found in publication PMID: 35346344, PMCID: PMC8962531

NM_000179.3(MSH6):c.3461C>T (p.Ala1154Val)

Gene: MSH6 (mutS homolog 6; plus strand). Cytogenetic location: 2p16.3.
Variant type: single nucleotide variant.
Coding change: c.3461C>T on transcript NM_000179.3 (MANE Select); coding-DNA position 3461, C replaced by T.
Protein change: p.Ala1154Val; replaces alanine 1154 with valine.
Molecular consequence: missense variant.
Genome position (GRCh38, 1-based): chr2:47,804,932, C>T. VCF-style: chr2-47804932-C-T. GRCh37 (hg19) VCF-style: chr2-48032071-C-T.
Other names: c.3071C>T, p.Ala1024Val (NM_001281492.2); c.2555C>T, p.Ala852Val (NM_001281493.2, NM_001281494.2, NM_001406812.1 and 6 more transcripts); c.3557C>T, p.Ala1186Val (NM_001406795.1, NM_001406802.1); c.3461C>T, p.Ala1154Val (NM_001406796.1, NM_001406800.1, NM_001406808.1 and 1 more transcripts); c.3164C>T, p.Ala1055Val (NM_001406797.1, NM_001406818.1, NM_001406819.1 and 10 more transcripts); c.3287C>T, p.Ala1096Val (NM_001406798.1); c.2936C>T, p.Ala979Val (NM_001406799.1, NM_001406806.1, NM_001406807.1); c.3467C>T, p.Ala1156Val (NM_001406813.1); and 7 more; short protein forms A1024V, A1055V, A1096V, A1156V, A632V, A1098V, A1128V, A81V.
Identifiers: ClinVar variation 1731649 (VCV001731649.11), dbSNP rs786202842, ClinGen allele CA346760043.
Genomic context (GRCh38, chr2:47,804,932, plus strand): 5'-TACCAGTCATAAAAGACCTTTTCCTCCCTCATTCACAGGCTGGCTTATTAGCTGTAATGG[C>T]CCAGATGGGTTGTTACGTCCCTGCTGAAGTGTGCAGGCTCACACCAATTGATAGAGTGTT-3'
Protein context (NP_000170.1, residues 1144-1164): MRQAGLLAVM[Ala1154Val]QMGCYVPAEV